The following is an entry in ClinVar:

ClinVar aggregate classification (germline): Conflicting classifications of pathogenicity. Review status: criteria provided, conflicting classifications (1 of 4 stars). 4 submissions from 4 submitters: Uncertain significance (3); Likely benign (1). Last evaluated 2025-11-10.

Conditions:
Neuroblastoma, susceptibility to, 3. Also called: ALK-Related Neuroblastic Tumor Susceptibility. Identifiers: Orphanet 635, MedGen C2751681, MONDO:0013083, OMIM 613014.
Hereditary cancer-predisposing syndrome. Also called: Hereditary neoplastic syndrome; Tumor predisposition; Neoplastic Syndromes, Hereditary; Hereditary Cancer Syndrome. Identifiers: Orphanet 140162, MedGen C0027672, MeSH D009386, MONDO:0015356.

Allele frequency attached by ClinVar (database versions not stated): gnomAD exomes 0.00001; ExAC 0.00003.
gnomAD v4.1: 20 of 1,577,190 alleles (0.0013%); highest among the groups gnomAD compares: Admixed American, 0.0018%; no homozygotes.

Submissions (4):

Ambry Genetics
Classification: Likely benign for Hereditary cancer-predisposing syndrome. Last evaluated: 2025-11-10. Review status: criteria provided, single submitter. Criteria: Ambry Variant Classification Scheme 2023. Collection method: clinical testing. Allele origin: germline.

Labcorp Genetics (formerly Invitae), Labcorp
Classification: Uncertain significance for Neuroblastoma, susceptibility to, 3. Last evaluated: 2025-09-10. Review status: criteria provided, single submitter. Criteria: Invitae Variant Classification Sherloc (09022015). Collection method: clinical testing. Allele origin: germline.
Comment: This sequence change replaces threonine, which is neutral and polar, with isoleucine, which is neutral and non-polar, at codon 25 of the ALK protein (p.Thr25Ile). This variant is present in population databases (rs753812499, gnomAD 0.001%). This variant has not been reported in the literature in individuals affected with ALK-related conditions. ClinVar contains an entry for this variant (Variation ID: 949215). An algorithm developed to predict the effect of missense changes on protein structure and function outputs the following: PolyPhen-2: "Benign". The isoleucine amino acid residue is found in multiple mammalian species, which suggests that this missense change does not adversely affect protein function. In summary, the available evidence is currently insufficient to determine the role of this variant in disease. Therefore, it has been classified as a Variant of Uncertain Significance.

Baylor Genetics
Classification: Uncertain significance for Neuroblastoma, susceptibility to, 3. Last evaluated: 2024-03-20. Review status: criteria provided, single submitter. Criteria: ACMG Guidelines, 2015. Collection method: clinical testing. Allele origin: unknown.

Fulgent Genetics
Classification: Uncertain significance for Neuroblastoma, susceptibility to, 3. Last evaluated: 2024-03-05. Review status: criteria provided, single submitter. Criteria: ACMG Guidelines, 2015. Collection method: clinical testing. Allele origin: germline.

NM_004304.5(ALK):c.74C>T (p.Thr25Ile)

Gene: ALK (ALK receptor tyrosine kinase; minus strand). Cytogenetic location: 2p23.1.
Variant type: single nucleotide variant.
Coding change: c.74C>T on transcript NM_004304.5 (MANE Select); coding-DNA position 74, C replaced by T.
Protein change: p.Thr25Ile; replaces threonine 25 with isoleucine.
Molecular consequence: missense variant.
Genome position (GRCh38, 1-based): chr2:29,920,586, G>A on the plus strand (C>T on the coding strand, the complement: ALK is on the minus strand). VCF-style: chr2-29920586-G-A. GRCh37 (hg19) VCF-style: chr2-30143452-G-A.
Other names: short protein forms T25I.
Identifiers: ClinVar variation 949215 (VCV000949215.10), dbSNP rs753812499, ClinGen allele CA1595054.